The following is an entry in ClinVar:

NM_004937.3(CTNS):c.323del (p.Gln108fs)

Genes: CTNS (cystinosin, lysosomal cystine transporter; plus strand), CTNS-AS1 (CTNS antisense RNA 1; minus strand). Cytogenetic location: 17p13.2.
Variant type: Deletion.
Coding change: c.323del on transcript NM_004937.3 (MANE Select); coding-DNA position 323, one base deleted (A; older notation c.323delA).
Protein change: p.Gln108fs; shifts the reading frame from glutamine 108.
Molecular consequence: frameshift variant. On other transcripts: 5 prime UTR variant (4).
Genome position (GRCh38, 1-based): chr17:3,655,095, A deleted. VCF-style (leftmost placement, unchanged base first): chr17-3655094-CA-C. GRCh37 (hg19) VCF-style: chr17-3558388-CA-C.
Other names: c.323del, p.Gln108fs (NM_001031681.3, NM_001374492.1); c.-119del (NM_001374493.1, NM_001374494.1, NM_001374495.1 and 1 more transcripts); c.323delA (NM_001031681.3); c.323del (NM_004937.2); short protein forms Q108fs.
Identifiers: ClinVar variation 253205 (VCV000253205.34), dbSNP rs879255615, ClinGen allele CA10586235.

ClinVar aggregate classification (germline): Pathogenic. Review status: criteria provided, multiple submitters, no conflicts (2 of 4 stars). 7 submissions from 7 submitters: Pathogenic (4). 3 of the submissions do not count toward it. Last evaluated 2024-08-26.

Conditions:
Cystinosis. Also called: Cystine diathesis; Cystine storage disease; Cystinoses. Identifiers: Orphanet 213, MedGen C4316899, MONDO:0016239.
Inborn genetic diseases. Identifiers: MedGen C0950123, MeSH D030342.
Ocular cystinosis. Also called: Non-Nephropathic Cystinosis; Non-Nephropathic (Ocular) Cystinosis. Identifiers: Orphanet 213, Orphanet 411641, MedGen C2931013, MONDO:0009064, OMIM 219750.
Juvenile nephropathic cystinosis. Also called: Intermediate Cystinosis; Later-Onset (Juvenile) Cystinosis; CYSTINOSIS, LATE-ONSET JUVENILE OR ADOLESCENT NEPHROPATHIC TYPE. Identifiers: Orphanet 213, Orphanet 411634, MedGen C0268626, MONDO:0009066, OMIM 219900.
Nephropathic cystinosis (CTNS). Also called: CYSTINOSIN, DEFECT OF; LYSOSOMAL CYSTINE TRANSPORT PROTEIN, DEFECT OF; Abderhalden Lignac Kaufmann disease; Abderhalden-Kaufmann-Lignac syndrome. Identifiers: Orphanet 213, Orphanet 411629, MedGen C2931187, MONDO:0100151, OMIM 219800.

Submissions (7):

Natera, Inc.
Classification: Pathogenic for Cystinosis. Last evaluated: 2024-08-26. Review status: criteria provided, single submitter. Criteria: Natera Variant Classification Schema (03/2026). Collection method: clinical testing. Allele origin: germline.
Comment: The c.323del variant in CTNS is a frameshift variant predicted to shift the reading frame beginning at codon 108 and leads to a stop codon 10 codons downstream. This variant is expected to result in nonsense mediated decay, truncation, or a dysfunctional protein product. This variant is rare in the general population with a frequency below the threshold expected for the associated phenotype(s). This variant has been observed in one or more individuals affected with the associated recessive disease, as either homozygous or compound heterozygous with a second variant (PMID: 35571017, 28238446). Given the available evidence, this variant is classified as Pathogenic.

3billion
Classification: Pathogenic for Nephropathic cystinosis. Last evaluated: 2023-12-21. Review status: criteria provided, single submitter. Criteria: ACMG Guidelines, 2015. Collection method: clinical testing. Allele origin: germline. Affected: yes.
Comment: The variant is not observed in the gnomAD v2.1.1 dataset. Predicted Consequence/Location: Frameshift: predicted to result in a loss or disruption of normal protein function through nonsense-mediated decay (NMD) or protein truncation. Multiple pathogenic variants are reported downstream of the variant. The variant has been reported at least twice as pathogenic without evidence for the classification (ClinVar ID: VCV000253205 /PMID: 28238446). Therefore, this variant is classified as Pathogenic according to the recommendation of ACMG/AMP guideline.

Labcorp Genetics (formerly Invitae), Labcorp
Classification: Pathogenic for Inborn genetic diseases; Ocular cystinosis; Juvenile nephropathic cystinosis. Last evaluated: 2023-11-24. Review status: criteria provided, single submitter. Criteria: Invitae Variant Classification Sherloc (09022015). Collection method: clinical testing. Allele origin: germline.
Comment: This sequence change creates a premature translational stop signal (p.Gln108Argfs*10) in the CTNS gene. It is expected to result in an absent or disrupted protein product. Loss-of-function variants in CTNS are known to be pathogenic (PMID: 9537412, 27102039). This variant is not present in population databases (gnomAD no frequency). This premature translational stop signal has been observed in individual(s) with cystinosis (PMID: 28238446, 35513889). ClinVar contains an entry for this variant (Variation ID: 253205). For these reasons, this variant has been classified as Pathogenic.

Baylor Genetics
Classification: Pathogenic for Nephropathic cystinosis. Last evaluated: 2022-02-22. Review status: criteria provided, single submitter. Criteria: ACMG Guidelines, 2015. Collection method: clinical testing. Allele origin: unknown.

Rasad Genetic Department, Rasad Pathobiology and Genetic Laboratory
Classification: Pathogenic for Nephropathic cystinosis. Last evaluated: 2020-01-01. Review status: no assertion criteria provided. Collection method: clinical testing. Allele origin: inherited. Affected: yes. Not counted in ClinVar's aggregate classification.

Counsyl
Classification: Likely pathogenic for Nephropathic cystinosis. Last evaluated: 2018-01-11. Review status: no assertion criteria provided. Collection method: clinical testing. Allele origin: unknown. Not counted in ClinVar's aggregate classification.

Clinical Genetics and Genomics Laboratory, Noor Shahriyar Hospital
Classification: Pathogenic. Review status: no assertion criteria provided. Collection method: clinical testing. Allele origin: inherited. Inheritance: Autosomal recessive inheritance. Affected: yes. Study: Pattern of CTNS mutation in Iranian patients with Cystinosis. Not counted in ClinVar's aggregate classification.

Literature cited by the submitters: PubMed 35571017 (cited by Natera, Inc.); PubMed 28238446 (cited by 4 submitters); PubMed 9537412 (cited by Labcorp Genetics (formerly Invitae), Labcorp); PubMed 27102039 (cited by Labcorp Genetics (formerly Invitae), Labcorp); PubMed 35513889 (cited by Labcorp Genetics (formerly Invitae), Labcorp).